The following is an entry in ClinVar:

NM_000642.3(AGL):c.1649T>G (p.Leu550Ter)

Gene: AGL (amylo-alpha-1,6-glucosidase and 4-alpha-glucanotransferase; plus strand). Cytogenetic location: 1p21.2.
Variant type: single nucleotide variant.
Coding change: c.1649T>G on transcript NM_000642.3 (MANE Select); coding-DNA position 1649, T replaced by G.
Protein change: p.Leu550Ter; replaces leucine 550 with a stop codon.
Molecular consequence: nonsense.
Genome position (GRCh38, 1-based): chr1:99,879,960, T>G. VCF-style: chr1-99879960-T-G. GRCh37 (hg19) VCF-style: chr1-100345516-T-G.
Other names: c.1649T>G, p.Leu550Ter (NM_000028.3, NM_000643.3, NM_000644.3 and 2 more transcripts); c.1601T>G, p.Leu534Ter (NM_000646.3); c.1448T>G, p.Leu483Ter (NM_001425327.1); c.1445T>G, p.Leu482Ter (NM_001425328.1, NM_001425329.1); c.1271T>G, p.Leu424Ter (NM_001425332.1); short protein forms L534*, L550*, L424*, L482*, L483*.
Identifiers: ClinVar variation 984157 (VCV000984157.6), dbSNP rs1651872905, ClinGen allele CA341315521.

ClinVar aggregate classification (germline): Pathogenic/Likely pathogenic. Review status: criteria provided, multiple submitters, no conflicts (2 of 4 stars). 2 submissions from 2 submitters: Pathogenic (1); Likely pathogenic (1). Last evaluated 2023-05-27.

Conditions:
Glycogen storage disease type III (GSD3). Also called: Cori disease; FORBES DISEASE. Identifiers: Orphanet 366, MedGen C0017922, MONDO:0009291, OMIM 232400.

Submissions (2):

Labcorp Genetics (formerly Invitae), Labcorp
Classification: Pathogenic for Glycogen storage disease type III. Last evaluated: 2023-05-27. Review status: criteria provided, single submitter. Criteria: Invitae Variant Classification Sherloc (09022015). Collection method: clinical testing. Allele origin: germline.
Comment: For these reasons, this variant has been classified as Pathogenic. This sequence change creates a premature translational stop signal (p.Leu550*) in the AGL gene. It is expected to result in an absent or disrupted protein product. Loss-of-function variants in AGL are known to be pathogenic (PMID: 19299494). This variant is not present in population databases (gnomAD no frequency). This variant has not been reported in the literature in individuals affected with AGL-related conditions. ClinVar contains an entry for this variant (Variation ID: 984157).

Myriad Genetics, Inc.
Classification: Likely pathogenic for Glycogen storage disease type III. Last evaluated: 2020-03-21. Review status: criteria provided, single submitter. Criteria: Myriad Women's Health Autosomal Recessive and X-Linked Classification Criteria (2019). Collection method: clinical testing. Allele origin: unknown.
Comment: NM_000642.2(AGL):c.1649T>G(L550*) is expected to be pathogenic in the context of glycogen storage disease type III. This variant is predicted to lead to an abnormal or absent protein product due to the creation of a premature termination codon in AGL, a gene where loss-of-function variants are known to be pathogenic. Please note: this variant was assessed in the context of healthy population screening.

Literature cited by the submitters: PubMed 19299494 (cited by Labcorp Genetics (formerly Invitae), Labcorp).